The following is an entry in ClinVar:

NC_000012.12:g.21773274_21773288del

Genes: KCNJ8 (potassium inwardly rectifying channel subfamily J member 8; minus strand), KCNJ8-AS1 (KCNJ8 antisense RNA 1; plus strand). Cytogenetic location: 12p12.1.
Variant type: Deletion.
Genome position: GRCh38 VCF-style: chr12-21773268-ACTCCAAACCACTTTT-A. GRCh37 (hg19) VCF-style: chr12-21926202-ACTCCAAACCACTTTT-A.
Identifiers: ClinVar variation 1906712 (VCV001906712.5), dbSNP rs1182931691, ClinGen allele CA686454064.
Genomic context (GRCh38, chr12:21,773,268, plus strand): 5'-TTTTCAACCCCTGCCTCATCCCACTACATTCTTACCTGACATTAGTCACACACACAGTGG[ACTCCAAACCACTTTT>A]CTCCATTCCACTTTTCTCCATGTAAGCATAGATGTCCCCATGGGCAAAGGCCACCAGCCA-3'

ClinVar aggregate classification (germline): Uncertain significance (1 of 4 stars; one submission).

Conditions:
Brugada syndrome. Also called: Sudden unexpected nocturnal death syndrome; Sudden Unexplained Death Syndrome; Sudden Unexplained Nocturnal Death Syndrome (SUNDS); Sudden unexplained nocturnal death syndrome. Identifiers: Orphanet 130, MedGen C1142166, MONDO:0015263.

Submission:

Labcorp Genetics (formerly Invitae), Labcorp
Classification: Uncertain significance for Brugada syndrome. Last evaluated: 2024-02-17. Review status: criteria provided, single submitter. Criteria: Invitae Variant Classification Sherloc (09022015). Collection method: clinical testing. Allele origin: germline.
Comment: This variant, c.334_348del, results in the deletion of 5 amino acid(s) of the KCNJ8 protein (p.Lys112_Glu116del), but otherwise preserves the integrity of the reading frame. This variant is not present in population databases (gnomAD no frequency). This variant has not been reported in the literature in individuals affected with KCNJ8-related conditions. Experimental studies and prediction algorithms are not available or were not evaluated, and the functional significance of this variant is currently unknown. In summary, the available evidence is currently insufficient to determine the role of this variant in disease. Therefore, it has been classified as a Variant of Uncertain Significance.